The following is an entry in ClinVar:

ClinVar aggregate classification (germline): Uncertain significance. Review status: criteria provided, multiple submitters, no conflicts (2 of 4 stars). 3 submissions from 3 submitters: Uncertain significance (3). Last evaluated 2025-03-24.

Conditions:
Colorectal cancer, susceptibility to, 1. Also called: COLORECTAL ADENOMA AND CANCER, SUSCEPTIBILITY TO; COLORECTAL CANCER, SUSCEPTIBILITY TO, ON CHROMOSOME 9. Identifiers: MedGen C1837315, MONDO:0012132, OMIM 608812.

Allele frequency attached by ClinVar (database versions not stated): ExAC 0.00001; gnomAD exomes 0.00001 and 0.00006; gnomAD 0.00003; TOPMed 0.00003.
gnomAD v4.1: 97 of 1,614,022 alleles (0.006%); highest among the groups gnomAD compares: Non-Finnish European, 0.008%; no homozygotes.

Submissions (3):

Ambry Genetics
Classification: Uncertain significance. Last evaluated: 2025-03-24. Review status: criteria provided, single submitter. Criteria: Ambry Variant Classification Scheme 2023. Collection method: clinical testing. Allele origin: germline.
Comment: The p.S558G variant (also known as c.1672A>G), located in coding exon 10 of the GALNT12 gene, results from an A to G substitution at nucleotide position 1672. The serine at codon 558 is replaced by glycine, an amino acid with similar properties. This amino acid position is not well conserved in available vertebrate species. In addition, this alteration is predicted to be tolerated by in silico analysis. The evidence for this gene-disease relationship is limited; therefore, the clinical significance of this alteration is unclear.

Labcorp Genetics (formerly Invitae), Labcorp
Classification: Uncertain significance. Last evaluated: 2023-11-17. Review status: criteria provided, single submitter. Criteria: Invitae Variant Classification Sherloc (09022015). Collection method: clinical testing. Allele origin: germline.
Comment: This sequence change replaces serine, which is neutral and polar, with glycine, which is neutral and non-polar, at codon 558 of the GALNT12 protein (p.Ser558Gly). This variant is present in population databases (rs759843363, gnomAD 0.002%). This variant has not been reported in the literature in individuals affected with GALNT12-related conditions. ClinVar contains an entry for this variant (Variation ID: 410576). Algorithms developed to predict the effect of missense changes on protein structure and function output the following: SIFT: "Not Available"; PolyPhen-2: "Benign"; Align-GVGD: "Not Available". The glycine amino acid residue is found in multiple mammalian species, which suggests that this missense change does not adversely affect protein function. In summary, the available evidence is currently insufficient to determine the role of this variant in disease. Therefore, it has been classified as a Variant of Uncertain Significance.

Fulgent Genetics
Classification: Uncertain significance for Colorectal cancer, susceptibility to, 1. Last evaluated: 2018-10-31. Review status: criteria provided, single submitter. Criteria: ACMG Guidelines, 2015. Collection method: clinical testing. Allele origin: unknown.

NM_024642.5(GALNT12):c.1672A>G (p.Ser558Gly)

Gene: GALNT12 (polypeptide N-acetylgalactosaminyltransferase 12; plus strand). Cytogenetic location: 9q22.33.
Variant type: single nucleotide variant.
Coding change: c.1672A>G on transcript NM_024642.5 (MANE Select); coding-DNA position 1672, A replaced by G.
Protein change: p.Ser558Gly; replaces serine 558 with glycine.
Molecular consequence: missense variant.
Genome position (GRCh38, 1-based): chr9:98,849,018, A>G. VCF-style: chr9-98849018-A-G. GRCh37 (hg19) VCF-style: chr9-101611300-A-G.
Other names: short protein forms S558G.
Identifiers: ClinVar variation 410576 (VCV000410576.18), dbSNP rs759843363, ClinGen allele CA5154341.
Genomic context (GRCh38, chr9:98,849,018, plus strand): 5'-TCTTTATTTCACGAACAGTCCAAGAAATGTGTCCAGGCTGCGAGGAAGGAGTCGAGTGAC[A>G]GTTTCGTTCCACTCTTACGAGACTGCACCAACTCGGATCATCAGAAATGGTTCTTCAAAG-3'
Protein context (NP_078918.3, residues 548-568): VQAARKESSD[Ser558Gly]FVPLLRDCTN